The following is an entry in ClinVar:

ClinVar aggregate classification (germline): Uncertain significance (1 of 4 stars; one submission).

Conditions:
Deafness-lymphedema-leukemia syndrome. Also called: Lymphedema, primary, with myelodysplasia; Emberger syndrome. Identifiers: Orphanet 3226, MedGen C3279664, MONDO:0013540, OMIM 614038.
Monocytopenia with susceptibility to infections. Also called: MONOCYTOPENIA AND MYCOBACTERIAL INFECTION SYNDROME; MONOCYTOPENIA WITH SUSCEPTIBILITY TO MYCOBACTERIAL, FUNGAL, AND PAPILLOMAVIRUS INFECTIONS AND MYELODYSPLASIA; COMBINED IMMUNODEFICIENCY WITH SUSCEPTIBILITY TO MYCOBACTERIAL, VIRAL, AND FUNGAL INFECTIONS; IMMUNODEFICIENCY 21; Dendritic cell, monocyte, B lymphocyte, and natural killer lymphocyte deficiency; GATA2 DEFICIENCY. Identifiers: Orphanet 228423, MedGen C3280030, MONDO:0013607, OMIM 614172.

Submission:

Labcorp Genetics (formerly Invitae), Labcorp
Classification: Uncertain significance for Monocytopenia with susceptibility to infections; Deafness-lymphedema-leukemia syndrome. Last evaluated: 2024-10-14. Review status: criteria provided, single submitter. Criteria: Invitae Variant Classification Sherloc (09022015). Collection method: clinical testing. Allele origin: germline.
Comment: This sequence change replaces valine, which is neutral and non-polar, with phenylalanine, which is neutral and non-polar, at codon 382 of the GATA2 protein (p.Val382Phe). This variant is not present in population databases (gnomAD no frequency). This variant has not been reported in the literature in individuals affected with GATA2-related conditions. ClinVar contains an entry for this variant (Variation ID: 579660). An algorithm developed to predict the effect of missense changes on protein structure and function (PolyPhen-2) suggests that this variant is likely to be disruptive. In summary, the available evidence is currently insufficient to determine the role of this variant in disease. Therefore, it has been classified as a Variant of Uncertain Significance.

NM_032638.5(GATA2):c.1144G>T (p.Val382Phe)

Gene: GATA2 (GATA binding protein 2; minus strand). Cytogenetic location: 3q21.3.
Variant type: single nucleotide variant.
Coding change: c.1144G>T on transcript NM_032638.5 (MANE Select); coding-DNA position 1144, G replaced by T.
Protein change: p.Val382Phe; replaces valine 382 with phenylalanine.
Molecular consequence: missense variant.
Genome position (GRCh38, 1-based): chr3:128,481,318, C>A on the plus strand (G>T on the coding strand, the complement: GATA2 is on the minus strand). VCF-style: chr3-128481318-C-A. GRCh37 (hg19) VCF-style: chr3-128200161-C-A.
Other names: c.1144G>T, p.Val382Phe (NM_001145661.2); c.1102G>T, p.Val368Phe (NM_001145662.1); short protein forms V382F, V368F.
Identifiers: ClinVar variation 579660 (VCV000579660.6), dbSNP rs1559984811, ClinGen allele CA354413412.